The following is an entry in ClinVar:

ClinVar aggregate classification (germline): Uncertain significance. Review status: criteria provided, multiple submitters, no conflicts (2 of 4 stars). 2 submissions from 2 submitters: Uncertain significance (2). Last evaluated 2023-03-07.

Conditions:
Long QT syndrome (LQTS). Identifiers: MedGen C0023976, MeSH D008133, MONDO:0002442. Disease mechanism: loss of function. Inheritance: Various modes of inheritance.
Cardiovascular phenotype. Identifiers: MedGen CN230736.

Allele frequency attached by ClinVar (database versions not stated): TOPMed below 0.00001; gnomAD 0.00001.
gnomAD v4.1: 1 of 1,613,982 alleles (0.000062%); highest among the groups gnomAD compares: Non-Finnish European, 0.000085%; no homozygotes.

Submissions (2):

Labcorp Genetics (formerly Invitae), Labcorp
Classification: Uncertain significance for Long QT syndrome. Last evaluated: 2023-03-07. Review status: criteria provided, single submitter. Criteria: Invitae Variant Classification Sherloc (09022015). Collection method: clinical testing. Allele origin: germline.
Comment: This variant has not been reported in the literature in individuals affected with ANK2-related conditions. This sequence change replaces methionine, which is neutral and non-polar, with isoleucine, which is neutral and non-polar, at codon 3757 of the ANK2 protein (p.Met3757Ile). This variant is present in population databases (no rsID available, gnomAD 0.0009%). ClinVar contains an entry for this variant (Variation ID: 1799286). Advanced modeling of protein sequence and biophysical properties (such as structural, functional, and spatial information, amino acid conservation, physicochemical variation, residue mobility, and thermodynamic stability) performed at Invitae indicates that this missense variant is not expected to disrupt ANK2 protein function. In summary, the available evidence is currently insufficient to determine the role of this variant in disease. Therefore, it has been classified as a Variant of Uncertain Significance.

Ambry Genetics
Classification: Uncertain significance for Cardiovascular phenotype. Last evaluated: 2021-01-20. Review status: criteria provided, single submitter. Criteria: Ambry Variant Classification Scheme 2023. Collection method: clinical testing. Allele origin: germline.

NM_001148.6(ANK2):c.11271G>A (p.Met3757Ile)

Gene: ANK2 (ankyrin 2; plus strand). Cytogenetic location: 4q26.
Variant type: single nucleotide variant.
Coding change: c.11271G>A on transcript NM_001148.6 (MANE Select); coding-DNA position 11271, G replaced by A.
Protein change: p.Met3757Ile; replaces methionine 3757 with isoleucine.
Molecular consequence: missense variant.
Genome position (GRCh38, 1-based): chr4:113,367,804, G>A. VCF-style: chr4-113367804-G-A. GRCh37 (hg19) VCF-style: chr4-114288960-G-A.
Other names: c.4989G>A, p.Met1663Ile (NM_001127493.3); c.5028G>A, p.Met1676Ile (NM_001354225.2); c.4917G>A, p.Met1639Ile (NM_001354228.2, NM_001354258.2); c.4995G>A, p.Met1665Ile (NM_001354230.2); c.5058G>A, p.Met1686Ile (NM_001354231.2, NM_001354242.2); c.5052G>A, p.Met1684Ile (NM_001354232.2); c.5013G>A, p.Met1671Ile (NM_001354235.2, NM_001354246.2, NM_001354265.2); c.4914G>A, p.Met1638Ile (NM_001354236.2); and 35 more; short protein forms M1617I, M1627I, M1638I, M1686I, M472I, M1544I, M1594I, M1597I.
Identifiers: ClinVar variation 1799286 (VCV001799286.5), dbSNP rs1241280456, ClinGen allele CA357942342.